The following is an entry in ClinVar:

ClinVar aggregate classification (germline): Uncertain significance. Review status: criteria provided, multiple submitters, no conflicts (2 of 4 stars). 3 submissions from 3 submitters: Uncertain significance (2). 1 of the submissions does not count toward it. Last evaluated 2024-03-15.

Conditions:
Fanconi anemia (FA). Also called: Fanconi's anemia. Identifiers: Orphanet 84, MedGen C0015625, MeSH D005199, MONDO:0019391.
Hereditary cancer-predisposing syndrome. Also called: Tumor predisposition; Hereditary Cancer Syndrome; Hereditary neoplastic syndrome; Neoplastic Syndromes, Hereditary. Identifiers: Orphanet 140162, MedGen C0027672, MeSH D009386, MONDO:0015356.

Submissions (3):

Ambry Genetics
Classification: Uncertain significance for Hereditary cancer-predisposing syndrome. Last evaluated: 2024-03-15. Review status: criteria provided, single submitter. Criteria: Ambry Variant Classification Scheme 2023. Collection method: clinical testing. Allele origin: germline.
Comment: The p.L52F variant (also known as c.156G>C), located in coding exon 1 of the FANCC gene, results from a G to C substitution at nucleotide position 156. The leucine at codon 52 is replaced by phenylalanine, an amino acid with highly similar properties. This amino acid position is highly conserved in available vertebrate species. In addition, the in silico prediction for this alteration is inconclusive. Since supporting evidence is limited at this time, the clinical significance of this alteration remains unclear.

Labcorp Genetics (formerly Invitae), Labcorp
Classification: Uncertain significance for Fanconi anemia. Last evaluated: 2021-09-01. Review status: criteria provided, single submitter. Criteria: Invitae Variant Classification Sherloc (09022015). Collection method: clinical testing. Allele origin: germline.
Comment: This sequence change replaces leucine with phenylalanine at codon 52 of the FANCC protein (p.Leu52Phe). The leucine residue is highly conserved and there is a small physicochemical difference between leucine and phenylalanine. This variant is not present in population databases (ExAC no frequency). This variant has not been reported in the literature in individuals affected with FANCC-related conditions. Algorithms developed to predict the effect of missense changes on protein structure and function are either unavailable or do not agree on the potential impact of this missense change (SIFT: "Deleterious"; PolyPhen-2: "Probably Damaging"; Align-GVGD: "Class C0"). In summary, the available evidence is currently insufficient to determine the role of this variant in disease. Therefore, it has been classified as a Variant of Uncertain Significance.

Natera, Inc.
Classification: Uncertain significance for Fanconi anemia. Last evaluated: 2021-04-13. Review status: no assertion criteria provided. Collection method: clinical testing. Allele origin: germline. Not counted in ClinVar's aggregate classification.

NM_000136.3(FANCC):c.156G>C (p.Leu52Phe)

Gene: FANCC (FA complementation group C; minus strand). Cytogenetic location: 9q22.32.
Variant type: single nucleotide variant.
Coding change: c.156G>C on transcript NM_000136.3 (MANE Select); coding-DNA position 156, G replaced by C.
Protein change: p.Leu52Phe; replaces leucine 52 with phenylalanine.
Molecular consequence: missense variant.
Genome position (GRCh38, 1-based): chr9:95,249,136, C>G on the plus strand (G>C on the coding strand, the complement: FANCC is on the minus strand). VCF-style: chr9-95249136-C-G. GRCh37 (hg19) VCF-style: chr9-98011418-C-G.
Other names: c.156G>C, p.Leu52Phe (NM_001243743.2, NM_001243744.2); short protein forms L52F.
Identifiers: ClinVar variation 409659 (VCV000409659.9), dbSNP rs1060502518, ClinGen allele CA16612741.